The following is an entry in ClinVar:

NM_016529.6(ATP8A2):c.1379C>T (p.Pro460Leu)

Gene: ATP8A2 (ATPase phospholipid transporting 8A2). Cytogenetic location: 13q12.13.
Variant type: single nucleotide variant.
Coding change: c.1379C>T on transcript NM_016529.6 (MANE Select); coding-DNA position 1379, C replaced by T.
Protein change: p.Pro460Leu; replaces proline 460 with leucine.
Molecular consequence: missense variant.
Genome position (GRCh38, 1-based): chr13:25,559,747, C>T. VCF-style: chr13-25559747-C-T. GRCh37 (hg19) VCF-style: chr13-26133885-C-T.
Other names: c.1259C>T, p.Pro420Leu (NM_001313741.1); short protein forms P460L, P420L.
Identifiers: ClinVar variation 1497894 (VCV001497894.6), dbSNP rs765367135, ClinGen allele CA6922892.

ClinVar aggregate classification (germline): Uncertain significance (1 of 4 stars; one submission).

Allele frequency attached by ClinVar (database versions not stated): gnomAD exomes 0.00001 and 0.00003; ExAC 0.00002; gnomAD 0.00002 and 0.00003; TOPMed 0.00005; 1000 Genomes Project 30x 0.00016.
gnomAD v4.1: 20 of 1,613,164 alleles (0.0012%); highest among the groups gnomAD compares: Middle Eastern, 0.016%; no homozygotes.

Submission:

Labcorp Genetics (formerly Invitae), Labcorp
Classification: Uncertain significance. Last evaluated: 2025-04-30. Review status: criteria provided, single submitter. Criteria: Invitae Variant Classification Sherloc (09022015). Collection method: clinical testing. Allele origin: germline.
Comment: This sequence change replaces proline, which is neutral and non-polar, with leucine, which is neutral and non-polar, at codon 460 of the ATP8A2 protein (p.Pro460Leu). This variant is present in population databases (rs765367135, gnomAD 0.03%). This variant has not been reported in the literature in individuals affected with ATP8A2-related conditions. ClinVar contains an entry for this variant (Variation ID: 1497894). Invitae Evidence Modeling of protein sequence and biophysical properties (such as structural, functional, and spatial information, amino acid conservation, physicochemical variation, residue mobility, and thermodynamic stability) indicates that this missense variant is not expected to disrupt ATP8A2 protein function with a negative predictive value of 80%. In summary, the available evidence is currently insufficient to determine the role of this variant in disease. Therefore, it has been classified as a Variant of Uncertain Significance.